The following is an entry in ClinVar:

ClinVar aggregate classification (germline): Uncertain significance. Review status: criteria provided, multiple submitters, no conflicts (2 of 4 stars). 2 submissions from 2 submitters: Uncertain significance (2). Last evaluated 2025-05-13.

Conditions:
Cardiovascular phenotype. Identifiers: MedGen CN230736.
Hypertrophic cardiomyopathy. Also called: HYPERTROPHIC MYOCARDIOPATHY. Identifiers: Orphanet 217569, MedGen C0007194, MeSH D002312, MONDO:0005045, HP:0001639.

Submissions (2):

Labcorp Genetics (formerly Invitae), Labcorp
Classification: Uncertain significance for Hypertrophic cardiomyopathy. Last evaluated: 2025-05-13. Review status: criteria provided, single submitter. Criteria: Invitae Variant Classification Sherloc (09022015). Collection method: clinical testing. Allele origin: germline.
Comment: This sequence change replaces isoleucine, which is neutral and non-polar, with asparagine, which is neutral and polar, at codon 967 of the MYBPC3 protein (p.Ile967Asn). This variant is not present in population databases (gnomAD no frequency). This variant has not been reported in the literature in individuals affected with MYBPC3-related conditions. ClinVar contains an entry for this variant (Variation ID: 3400426). An algorithm developed to predict the effect of missense changes on protein structure and function (PolyPhen-2) suggests that this variant is likely to be disruptive. In summary, the available evidence is currently insufficient to determine the role of this variant in disease. Therefore, it has been classified as a Variant of Uncertain Significance.

Ambry Genetics
Classification: Uncertain significance for Cardiovascular phenotype. Last evaluated: 2024-10-19. Review status: criteria provided, single submitter. Criteria: Ambry Variant Classification Scheme 2023. Collection method: clinical testing. Allele origin: germline.
Comment: The p.I967N variant (also known as c.2900T>A), located in coding exon 27 of the MYBPC3 gene, results from a T to A substitution at nucleotide position 2900. The isoleucine at codon 967 is replaced by asparagine, an amino acid with dissimilar properties. This amino acid position is conserved. In addition, the in silico prediction for this alteration is inconclusive. Based on the available evidence, the clinical significance of this variant remains unclear.

NM_000256.3(MYBPC3):c.2900T>A (p.Ile967Asn)

Gene: MYBPC3 (myosin binding protein C3; minus strand). Cytogenetic location: 11p11.2.
Variant type: single nucleotide variant.
Coding change: c.2900T>A on transcript NM_000256.3 (MANE Select); coding-DNA position 2900, T replaced by A.
Protein change: p.Ile967Asn; replaces isoleucine 967 with asparagine.
Molecular consequence: missense variant.
Genome position (GRCh38, 1-based): chr11:47,335,047, A>T on the plus strand (T>A on the coding strand, the complement: MYBPC3 is on the minus strand). VCF-style: chr11-47335047-A-T. GRCh37 (hg19) VCF-style: chr11-47356598-A-T.
Other names: short protein forms I967N.
Identifiers: ClinVar variation 3400426 (VCV003400426.2).